The following is an entry in ClinVar:

ClinVar aggregate classification (germline): Uncertain significance (1 of 4 stars; one submission).

Conditions:
Werner syndrome (WRN). Identifiers: Orphanet 902, MedGen C0043119, MONDO:0010196, OMIM 277700.

Submission:

Labcorp Genetics (formerly Invitae), Labcorp
Classification: Uncertain significance for Werner syndrome. Last evaluated: 2023-05-30. Review status: criteria provided, single submitter. Criteria: Invitae Variant Classification Sherloc (09022015). Collection method: clinical testing. Allele origin: germline.
Comment: In summary, the available evidence is currently insufficient to determine the role of this variant in disease. Therefore, it has been classified as a Variant of Uncertain Significance. Algorithms developed to predict the effect of missense changes on protein structure and function output the following: SIFT: "Not Available"; PolyPhen-2: "Possibly Damaging"; Align-GVGD: "Not Available". The leucine amino acid residue is found in multiple mammalian species, which suggests that this missense change does not adversely affect protein function. This variant has not been reported in the literature in individuals affected with WRN-related conditions. This variant is not present in population databases (gnomAD no frequency). This sequence change replaces serine, which is neutral and polar, with leucine, which is neutral and non-polar, at codon 709 of the WRN protein (p.Ser709Leu).

NM_000553.6(WRN):c.2126C>T (p.Ser709Leu)

Gene: WRN (WRN RecQ like helicase; plus strand). Cytogenetic location: 8p12.
Variant type: single nucleotide variant.
Coding change: c.2126C>T on transcript NM_000553.6 (MANE Select); coding-DNA position 2126, C replaced by T.
Protein change: p.Ser709Leu; replaces serine 709 with leucine.
Molecular consequence: missense variant.
Genome position (GRCh38, 1-based): chr8:31,111,652, C>T. VCF-style: chr8-31111652-C-T. GRCh37 (hg19) VCF-style: chr8-30969168-C-T.
Other names: short protein forms S709L.
Identifiers: ClinVar variation 2749113 (VCV002749113.3), dbSNP rs2130283148, ClinGen allele CA370912486.